The following is an entry in ClinVar:

NM_001042681.2(RERE):c.2728C>T (p.Gln910Ter)

Gene: RERE (arginine-glutamic acid dipeptide repeats; minus strand). Cytogenetic location: 1p36.23.
Variant type: single nucleotide variant.
Coding change: c.2728C>T on transcript NM_001042681.2 (MANE Select); coding-DNA position 2728, C replaced by T.
Protein change: p.Gln910Ter; replaces glutamine 910 with a stop codon.
Molecular consequence: nonsense.
Genome position (GRCh38, 1-based): chr1:8,360,779, G>A on the plus strand (C>T on the coding strand, the complement: RERE is on the minus strand). VCF-style: chr1-8360779-G-A. GRCh37 (hg19) VCF-style: chr1-8420839-G-A.
Other names: c.1066C>T, p.Gln356Ter (NM_001042682.2); c.2728C>T, p.Gln910Ter (NM_012102.4); short protein forms Q356*, Q910*.
Identifiers: ClinVar variation 4075325 (VCV004075325.1).

ClinVar aggregate classification (germline): Likely pathogenic (1 of 4 stars; one submission).

Conditions:
Neurodevelopmental disorder with or without anomalies of the brain, eye, or heart (NEDBEH). Identifiers: Orphanet 494344, MedGen C5567477, MONDO:0014857, OMIM 616975.

Submission:

Daryl Scott Lab, Baylor College of Medicine
Classification: Likely pathogenic for Neurodevelopmental disorder with or without anomalies of the brain, eye, or heart. Last evaluated: 2025-08-05. Review status: criteria provided, single submitter. Criteria: ACMG Guidelines, 2015. Collection method: clinical testing. Allele origin: de novo. Affected: yes. Observed: 1 heterozygote.
Comment: PVS1_supporting, PS2, PM2